The following is an entry in ClinVar:

NM_021625.5(TRPV4):c.1790del (p.Lys597fs)

Gene: TRPV4 (transient receptor potential cation channel subfamily V member 4; minus strand). Cytogenetic location: 12q24.11.
Variant type: Deletion.
Coding change: c.1790del on transcript NM_021625.5 (MANE Select); coding-DNA position 1790, one base deleted (A; older notation c.1790delA).
Protein change: p.Lys597fs; shifts the reading frame from lysine 597.
Molecular consequence: frameshift variant.
Genome position (GRCh38, 1-based): chr12:109,792,686, T deleted on the plus strand (A on the coding strand, the reverse complement: TRPV4 is on the minus strand); the first of 2 consecutive T bases (chr12:109,792,686-109,792,687); deleting either gives the same sequence. VCF-style (leftmost placement, unchanged base first): chr12-109792685-CT-C. GRCh37 (hg19) VCF-style: chr12-110230490-CT-C.
Other names: c.1790delA (NM_021625.4); c.1648delA, p.Lys550Serfs (NM_001177428.2); c.1687delA, p.Lys563Serfs (NM_001177431.2); c.1468delA, p.Lys490Serfs (NM_001177433.2); c.1609delA, p.Lys537Serfs (NM_147204.3); short protein forms K490fs, K537fs, K550fs, K563fs, K597fs.
Identifiers: ClinVar variation 2629034 (VCV002629034.1), dbSNP rs1384779220, ClinGen allele CA683422816.

ClinVar aggregate classification (germline): Uncertain significance (1 of 4 stars; one submission).

Conditions:
TRPV4-related disorder. Also called: TRPV4-related disorders; TRPV4-related condition.

Submission:

PreventionGenetics, part of Exact Sciences
Classification: Uncertain significance for TRPV4-related condition. Last evaluated: 2023-06-06. Review status: criteria provided, single submitter. Criteria: ACMG Guidelines, 2015. Collection method: clinical testing. Allele origin: germline.
Comment: The TRPV4 c.1790delA variant is predicted to result in a frameshift and premature protein termination (p.Lys597Serfs*2). To our knowledge, this variant has not been reported in the literature or in a large population database, indicating this variant is rare. Few protein-truncating variants have been reported in this gene to date to be associated with disease (Human Gene Mutation Database). Although we suspect that this variant may be pathogenic, at this time, the clinical significance of this variant is uncertain due to the absence of conclusive functional and genetic evidence.